The following is an entry in ClinVar:

ClinVar aggregate classification (germline): Pathogenic. Review status: criteria provided, multiple submitters, no conflicts (2 of 4 stars). 2 submissions from 2 submitters: Pathogenic (2). Last evaluated 2024-01-17.

Conditions:
Ataxia-telangiectasia syndrome (AT). Also called: Ataxia-telangiectasia, complementation group D; Cerebello-oculocutaneous telangiectasia; Immunodeficiency with ataxia telangiectasia; LOUIS-BAR SYNDROME; Ataxia-telangiectasia; AT, COMPLEMENTATION GROUP C. Identifiers: Orphanet 100, MedGen C0004135, MONDO:0008840, OMIM 208900.
Familial cancer of breast. Also called: BREAST CANCER, FAMILIAL; hereditary breast carcinoma; Hereditary breast cancer. Identifiers: Orphanet 227535, MedGen C0346153, MONDO:0016419, OMIM 114480. Disease mechanism: loss of function.

Allele frequency attached by ClinVar (database versions not stated): gnomAD exomes below 0.00001.

Submissions (2):

Myriad Genetics, Inc.
Classification: Pathogenic for Familial cancer of breast. Last evaluated: 2024-01-17. Review status: criteria provided, single submitter. Criteria: Myriad Autosomal Dominant, Autosomal Recessive and X-Linked Classification Criteria (2023). Collection method: clinical testing. Allele origin: unknown.
Comment: This variant is considered pathogenic. This variant creates a termination codon and is predicted to result in premature protein truncation.

Labcorp Genetics (formerly Invitae), Labcorp
Classification: Pathogenic for Ataxia-telangiectasia syndrome. Last evaluated: 2021-10-09. Review status: criteria provided, single submitter. Criteria: Invitae Variant Classification Sherloc (09022015). Collection method: clinical testing. Allele origin: germline.
Comment: For these reasons, this variant has been classified as Pathogenic. ClinVar contains an entry for this variant (Variation ID: 933295). This premature translational stop signal has been observed in individual(s) with ataxia-telangiectasia (PMID: 29492593). This variant is not present in population databases (ExAC no frequency). This sequence change creates a premature translational stop signal (p.Tyr705*) in the ATM gene. It is expected to result in an absent or disrupted protein product. Loss-of-function variants in ATM are known to be pathogenic (PMID: 23807571, 25614872).

Literature cited by the submitters: PubMed 29492593 (cited by Labcorp Genetics (formerly Invitae), Labcorp); PubMed 23807571 (cited by Labcorp Genetics (formerly Invitae), Labcorp); PubMed 25614872 (cited by Labcorp Genetics (formerly Invitae), Labcorp).

NM_000051.4(ATM):c.2114dup (p.Tyr705Ter)

Gene: ATM (ATM serine/threonine kinase; plus strand). Cytogenetic location: 11q22.3.
Variant type: Duplication.
Coding change: c.2114dup on transcript NM_000051.4 (MANE Select); coding-DNA position 2114, one base duplicated (A; older notation c.2114dupA).
Protein change: p.Tyr705Ter; replaces tyrosine 705 with a stop codon.
Molecular consequence: nonsense.
Genome position (GRCh38, 1-based): chr11:108,254,029, A duplicated. VCF-style (leftmost placement, unchanged base first): chr11-108254028-T-TA. GRCh37 (hg19) VCF-style: chr11-108124755-T-TA.
Other names: c.2114dup, p.Tyr705Ter (NM_001351834.2); short protein forms Y705*.
Identifiers: ClinVar variation 933295 (VCV000933295.8), dbSNP rs2080317430, ClinGen allele CA1139662165.